The following is an entry in ClinVar:

NM_000492.4(CFTR):c.1865G>A (p.Gly622Asp)

Gene: CFTR (CF transmembrane conductance regulator; plus strand). Cytogenetic location: 7q31.2.
Variant type: single nucleotide variant.
Coding change: c.1865G>A on transcript NM_000492.4 (MANE Select); coding-DNA position 1865, G replaced by A.
Protein change: p.Gly622Asp; replaces glycine 622 with aspartic acid.
Molecular consequence: missense variant.
Genome position (GRCh38, 1-based): chr7:117,592,032, G>A. VCF-style: chr7-117592032-G-A. GRCh37 (hg19) VCF-style: chr7-117232086-G-A.
Other names: short protein forms G622D.
Identifiers: ClinVar variation 35833 (VCV000035833.90), dbSNP rs121908759, ClinGen allele CA326704.

ClinVar aggregate classification (germline): Conflicting classifications of pathogenicity. Review status: criteria provided, conflicting classifications (1 of 4 stars). 29 submissions from 27 submitters: Pathogenic (16); Likely pathogenic (10); Uncertain significance (1). 2 of the submissions do not count toward it. Last evaluated 2026-09-21.

Conditions:
CFTR-related disorder (CFTR-RD). Also called: CFTR-related disorders; CFTR-related condition. Identifiers: MedGen C5924204, MONDO:7770004.
Cystic fibrosis (CF). Also called: MUCOVISCIDOSIS. Identifiers: Orphanet 586, MedGen C0010674, MONDO:0009061, OMIM 219700. Disease mechanism: loss of function.
Congenital bilateral aplasia of vas deferens from CFTR mutation (CBAVD). Identifiers: Orphanet 48, MedGen C0403814, MONDO:0010178, OMIM 277180. Disease mechanism: loss of function.
Bronchiectasis with or without elevated sweat chloride 1 (BESC1). Also called: Cystic Fibrosis-Like Syndrome. Identifiers: Orphanet 60033, MedGen C2749757, MONDO:0008887, OMIM 211400.
Hereditary pancreatitis (PCTT). Also called: Hereditary chronic pancreatitis; PRSS1-Related Hereditary Pancreatitis. Identifiers: Orphanet 676, MedGen C0238339, MONDO:0008185, OMIM 167800.

Allele frequency attached by ClinVar (database versions not stated): gnomAD exomes 0.00003 and 0.00010; ExAC 0.00013; ESP Exome Variant Server 0.00023; 1000 Genomes Project 30x 0.00031; gnomAD 0.00036 and 0.00039; 1000 Genomes Project 0.00040; TOPMed 0.00046.
gnomAD v4.1: 192 of 1,603,502 alleles (0.012%); highest among the groups gnomAD compares: African/African-American, 0.086%; 2 homozygotes.

Submissions 1 to 7 of 29:

PreventionGenetics, part of Exact Sciences
Classification: Pathogenic for CFTR-related condition. Last evaluated: 2026-09-21. Review status: criteria provided, single submitter. Criteria: ACMG Guidelines, 2015. Collection method: clinical testing. Allele origin: germline.
Comment: The CFTR c.1865G>A variant is predicted to result in the amino acid substitution p.Gly622Asp. This variant has been reported to be pathogenic for cystic fibrosis and CFTR-related disease (see for example Vankeerberghen et al. 1998. PubMed ID: 9736778; Marion et al. 2015. PubMed ID: 25443471). Experimental studies indicate this variant impacts protein function (Norez et al. 2008. PubMed ID: 18230692). This variant is reported in 0.085% of alleles in individuals of African descent in gnomAD. This variant is interpreted as pathogenic.

GeneDx
Classification: Likely pathogenic. Last evaluated: 2026-09-16. Review status: criteria provided, single submitter. Criteria: GeneDx Variant Classification Process June 2021. Collection method: clinical testing. Allele origin: germline.
Comment: Observed in the heterozygous state in an individual with asthma and borderline sweat chloride levels, an individual with oligospermia, an individual with congenital absence of vas deferens, and also in multiple healthy individuals (PMID: 32777524, 15354332, 9736778); Observed in individuals with pancreatitis referred for genetic testing at GeneDx; Published functional studies are conflicting: normal or reduced protein maturation, reduced chloride transport activity, and reduced protein function (PMID: 20435887, 18230692, 29805046, 9736778); In silico analysis supports that this missense variant has a deleterious effect on protein structure/function; Classified as a variant of varying clinical consequence in a well-curated database (CFTR2); This variant is associated with the following publications: (PMID: 29174009, 34996830, 18230692, 9736778, 20435887, 19833837, 22975760, 25489051, 23951356, 15354332, 29805046, 30046002, 30609409, 30032850, 17329263, 25443471, 28603918, 16596947, 31589614, 32777524, 35313924, 34804071, 35314707, 38167091, 35171259, 38388235, 38334943, 39875687, 39841779, 39740802, 40065563, 40248383, 40861057)

Labcorp Genetics (formerly Invitae), Labcorp
Classification: Pathogenic for Cystic fibrosis. Last evaluated: 2026-02-02. Review status: criteria provided, single submitter. Criteria: Invitae Variant Classification Sherloc (09022015). Collection method: clinical testing. Allele origin: germline.
Comment: This sequence change replaces glycine, which is neutral and non-polar, with aspartic acid, which is acidic and polar, at codon 622 of the CFTR protein (p.Gly622Asp). This variant is present in population databases (rs121908759, gnomAD 0.09%). This missense change has been observed in individual(s) with CFTR-related conditions (PMID: 9736778, 16596947, 17329263, 19833837, 19914431, 25443471). In at least one individual the data is consistent with being in trans (on the opposite chromosome) from a pathogenic variant. When present on the opposite chromosome (in trans) from a severe pathogenic CFTR variant, the p.Gly622Asp variant has been associated with a spectrum of CFTR-related disorders, ranging from congenital absence of the vas deferens (CAVD) to cystic fibrosis (PMID: 25443471, 17329263, 16596947). However, there are no reports of individuals with homozygosity for p.Gly622Asp variant to determine if they are expected to have a certain CFTR-related clinical features or be asymptomatic. ClinVar contains an entry for this variant (Variation ID: 35833). Invitae Evidence Modeling of protein sequence and biophysical properties (such as structural, functional, and spatial information, amino acid conservation, physicochemical variation, residue mobility, and thermodynamic stability) indicates that this missense variant is expected to disrupt CFTR protein function with a positive predictive value of 80%. Experimental studies have shown that this missense change affects CFTR function (PMID: 9736778, 18230692, 20435887, 20932301). For these reasons, this variant has been classified as Pathogenic.

Natera, Inc.
Classification: Likely pathogenic for CFTR-related disorders. Last evaluated: 2026-01-25. Review status: criteria provided, single submitter. Criteria: Natera Variant Classification Schema (03/2026). Collection method: clinical testing. Allele origin: germline.
Comment: The c.1865G>A variant in CFTR is a missense variant predicted to cause substitution of glycine to aspartic acid at amino acid 622. This variant is rare in the general population with a frequency below the threshold expected for the associated phenotype(s). This variant has been observed in one or more individuals affected with the associated recessive disease, as either homozygous or compound heterozygous with a second variant (PMID: 25443471). Functional studies show that this variant may disrupt protein function (PMID: 29805046, 30046002). Computational prediction algorithms indicate this variant is likely to affect gene or protein function. Given the available evidence, this variant is classified as Likely Pathogenic.

3billion
Classification: Likely pathogenic for Cystic fibrosis. Last evaluated: 2025-12-08. Review status: criteria provided, single submitter. Criteria: ACMG Guidelines, 2015. Collection method: clinical testing. Allele origin: germline. Affected: yes.
Comment: The variant is observed at an extremely low frequency in the gnomAD v4.1.0 dataset (total allele frequency: 0.012%). Predicted Consequence/Location: Missense variant In silico tool predictions suggest damaging effect of the variant on gene or gene product [REVEL: 0.96 (>=0.6, sensitivity 0.68 and specificity 0.92)]. The same nucleotide change resulting in the same amino acid change has been previously reported as pathogenic/likely pathogenic with strong evidence (ClinVar ID: VCV000035833 /PMID: 9736778). Therefore, this variant is classified as Likely pathogenic according to the recommendation of ACMG/AMP guideline.

Quest Diagnostics Nichols Institute San Juan Capistrano
Classification: Pathogenic. Last evaluated: 2025-10-30. Review status: criteria provided, single submitter. Criteria: Quest Diagnostics criteria. Collection method: clinical testing. Allele origin: unknown.
Comment: The CFTR c.1865G>A (p.Gly622Asp) pathogenic variant is associated with a variable phenotype and individuals with this variant and a CFTR pathogenic variant associated with classic cystic fibrosis (CF) may be affected by a CFTR-related disorder, such as pancreatitis (PMIDs: 23951356 (2013), 30420730 (2018)), congenital bilateral absence vas deferens (CBAVD) (PMID: 17329263 (2007)), or CF (PMIDs: 16596947 (2005), 25443471 (2015), see also CFTR2). Several functional studies have reported that this variant affects proper CFTR function (PMIDs: 9736778 (1998), 18230692 (2008), 20435887 (2010), 29805046 (2018), 30046002 (2018)). Based on the available information, this variant is classified as pathogenic.

Genetic Services Laboratory, University of Chicago
Classification: Pathogenic. Last evaluated: 2025-10-16. Review status: criteria provided, single submitter. Criteria: ACMG Guidelines, 2015. Collection method: clinical testing. Allele origin: germline.
Comment: The c.1865G>A variant: Results in an amino acid change, p.Gly622Asp. Affects a highly conserved amino acid residue located in a domain of the CFTR protein that is known to be functional. Appears to be deleterious using several in-silico pathogenicity prediction tools. Has been previously described in the compound heterozygous state in multiple unrelated individuals with cystic fibrosis and other CFTR-related disorders (PMIDs: 25443471, 17329263) Is reported in the gnomAD v4 database with a frequency of 0.08% in the African/African American subpopulation (dbSNP rs121908759). Has been demonstrated via functional analyses to result in reduced CFTR protein function versus the wild-type CFTR protein (PMIDs: 29805046, 20435887, 30046002). ClinVar contains an entry for this variant (Variation ID: 35833). Collectively, this evidence indicates that this variant is pathogenic.